The following is an entry in ClinVar:

NM_201384.3(PLEC):c.7607_7615del (p.Arg2536_Gln2538del)

Gene: PLEC (plectin; minus strand). Cytogenetic location: 8q24.3.
Variant type: Deletion.
Coding change: c.7607_7615del on transcript NM_201384.3 (MANE Select); coding-DNA positions 7607 to 7615, 9 bases deleted (GGCAGCAGC; older notation c.7607_7615delGGCAGCAGC).
Protein change: p.Arg2536_Gln2538del.
Molecular consequence: inframe deletion.
Genome position (GRCh38, 1-based): chr8:143,922,206-143,922,214, GCTGCTGCC deleted on the plus strand (GGCAGCAGC on the coding strand, the reverse complement: PLEC is on the minus strand); deleting any 9 consecutive bases within chr8:143,922,206-143,922,222 gives the same sequence; the c. name uses the placement nearest the transcript's 3' end. VCF-style (leftmost placement, unchanged base first): chr8-143922205-TGCTGCTGCC-T. GRCh37 (hg19) VCF-style: chr8-144996373-TGCTGCTGCC-T.
Other names: c.7688_7696del, p.Arg2563_Gln2565del (NM_000445.5); c.7565_7573del, p.Arg2522_Gln2524del (NM_201378.4); c.7541_7549del, p.Arg2514_Gln2516del (NM_201379.3); c.8018_8026del, p.Arg2673_Gln2675del (NM_201380.4); c.7511_7519del, p.Arg2504_Gln2506del (NM_201381.3); c.7607_7615del, p.Arg2536_Gln2538del (NM_201382.4); c.7619_7627del, p.Arg2540_Gln2542del (NM_201383.3).
Identifiers: ClinVar variation 644080 (VCV000644080.6), dbSNP rs1299130078, ClinGen allele CA586158232.

ClinVar aggregate classification (germline): Uncertain significance (1 of 4 stars; one submission).

Conditions:
Epidermolysis bullosa simplex, Ogna type (EBS5A). Also called: Pidermolysis bullosa simplex 5A, Ogna type; EPIDERMOLYSIS BULLOSA SIMPLEX 5A, OGNA TYPE. Identifiers: Orphanet 79401, MedGen C0432317, MONDO:0007555, OMIM 131950.
Autosomal recessive limb-girdle muscular dystrophy type 2Q (LGMDR17). Also called: MUSCULAR DYSTROPHY, LIMB-GIRDLE, AUTOSOMAL RECESSIVE 17. Identifiers: Orphanet 254361, MedGen C3150989, MONDO:0013390, OMIM 613723.
Epidermolysis bullosa simplex with nail dystrophy (EBS5D). Identifiers: MedGen C4225309, MONDO:0014661, OMIM 616487.
Epidermolysis bullosa simplex 5B, with muscular dystrophy (EBS5B). Also called: Epidermolysis bullosa simplex with muscular dystrophy; EPIDERMOLYSIS BULLOSA SIMPLEX AND LIMB-GIRDLE MUSCULAR DYSTROPHY. Identifiers: Orphanet 257, MedGen C2931072, MONDO:0009181, OMIM 226670.
Epidermolysis bullosa simplex 5C, with pyloric atresia (EBS5C). Also called: PLEC-Related Epidermolysis Bullosa with Pyloric Atresia; Epidermolysis bullosa simplex with pyloric atresia; PLEC1-Related Epidermolysis Bullosa with Pyloric Atresia. Identifiers: Orphanet 158684, MedGen C2677349, MONDO:0012807, OMIM 612138.

Submission:

Labcorp Genetics (formerly Invitae), Labcorp
Classification: Uncertain significance for Autosomal recessive limb-girdle muscular dystrophy type 2Q; Epidermolysis bullosa simplex, Ogna type; Epidermolysis bullosa simplex with nail dystrophy; Epidermolysis bullosa simplex 5C, with pyloric atresia; Epidermolysis bullosa simplex 5B, with muscular dystrophy. Last evaluated: 2018-07-24. Review status: criteria provided, single submitter. Criteria: Invitae Variant Classification Sherloc (09022015). Collection method: clinical testing. Allele origin: germline.
Comment: In summary, the available evidence is currently insufficient to determine the role of this variant in disease. Therefore, it has been classified as a Variant of Uncertain Significance. Experimental studies and prediction algorithms are not available for this variant, and the functional significance of the deleted amino acids is currently unknown. This variant has not been reported in the literature in individuals with PLEC-related disease. This variant is not present in population databases (ExAC no frequency). This variant, c.7688_7696delGGCAGCAGC, results in the deletion of 3 amino acids of the PLEC protein (p.Arg2563_Gln2565del), but otherwise preserves the integrity of the reading frame.